The following is an entry in ClinVar:

NM_001851.6(COL9A1):c.1640G>A (p.Gly547Glu)

Gene: COL9A1 (collagen type IX alpha 1 chain; minus strand). Cytogenetic location: 6q13.
Variant type: single nucleotide variant.
Coding change: c.1640G>A on transcript NM_001851.6 (MANE Select); coding-DNA position 1640, G replaced by A.
Protein change: p.Gly547Glu; replaces glycine 547 with glutamic acid.
Molecular consequence: missense variant. On other transcripts: non-coding transcript variant (1).
Genome position (GRCh38, 1-based): chr6:70,254,988, C>T on the plus strand (G>A on the coding strand, the complement: COL9A1 is on the minus strand). VCF-style: chr6-70254988-C-T. GRCh37 (hg19) VCF-style: chr6-70964691-C-T.
Other names: c.911G>A, p.Gly304Glu (NM_001377289.1, NM_001377290.1, NM_078485.4); short protein forms G547E, G304E.
Identifiers: ClinVar variation 1350366 (VCV001350366.6), dbSNP rs1427326341, ClinGen allele CA364677724.

ClinVar aggregate classification (germline): Uncertain significance (1 of 4 stars; one submission).

Allele frequency attached by ClinVar (database versions not stated): gnomAD exomes below 0.00001.
gnomAD v4.1: 1 of 1,614,140 alleles (0.000062%); highest among the groups gnomAD compares: East Asian, 0.0022%; no homozygotes.

Submission:

Labcorp Genetics (formerly Invitae), Labcorp
Classification: Uncertain significance. Last evaluated: 2022-06-28. Review status: criteria provided, single submitter. Criteria: Invitae Variant Classification Sherloc (09022015). Collection method: clinical testing. Allele origin: germline.
Comment: This sequence change replaces glycine, which is neutral and non-polar, with glutamic acid, which is acidic and polar, at codon 547 of the COL9A1 protein (p.Gly547Glu). In summary, the available evidence is currently insufficient to determine the role of this variant in disease. Therefore, it has been classified as a Variant of Uncertain Significance. Advanced modeling of protein sequence and biophysical properties (such as structural, functional, and spatial information, amino acid conservation, physicochemical variation, residue mobility, and thermodynamic stability) performed at Invitae indicates that this missense variant is expected to disrupt COL9A1 protein function. This variant has not been reported in the literature in individuals affected with COL9A1-related conditions. This variant is present in population databases (no rsID available, gnomAD 0.006%).